The following is an entry in ClinVar:

ClinVar aggregate classification (germline): Uncertain significance (1 of 4 stars; one submission).

Conditions:
Hereditary cancer-predisposing syndrome. Also called: Neoplastic Syndromes, Hereditary; Tumor predisposition; Hereditary neoplastic syndrome; Hereditary Cancer Syndrome. Identifiers: Orphanet 140162, MedGen C0027672, MeSH D009386, MONDO:0015356.

Submission:

Ambry Genetics
Classification: Uncertain significance for Hereditary cancer-predisposing syndrome. Last evaluated: 2026-07-27. Review status: criteria provided, single submitter. Criteria: Ambry Variant Classification Scheme 2023. Collection method: clinical testing. Allele origin: germline.
Comment: The p.A185T variant (also known as c.553G>A), located in coding exon 3 of the PTCH1 gene, results from a G to A substitution at nucleotide position 553. The alanine at codon 185 is replaced by threonine, an amino acid with similar properties. This amino acid position is conserved. In addition, this alteration is predicted to be deleterious by in silico analysis. Based on the available evidence, the clinical significance of this variant remains unclear.

NM_000264.5(PTCH1):c.553G>A (p.Ala185Thr)

Gene: PTCH1 (patched 1; minus strand). Cytogenetic location: 9q22.32.
Variant type: single nucleotide variant.
Coding change: c.553G>A on transcript NM_000264.5 (MANE Select); coding-DNA position 553, G replaced by A.
Protein change: p.Ala185Thr; replaces alanine 185 with threonine.
Molecular consequence: missense variant. On other transcripts: non-coding transcript variant (1).
Genome position (GRCh38, 1-based): chr9:95,485,716, C>T on the plus strand (G>A on the coding strand, the complement: PTCH1 is on the minus strand). VCF-style: chr9-95485716-C-T. GRCh37 (hg19) VCF-style: chr9-98247998-C-T.
Other names: c.355G>A, p.Ala119Thr (NM_001083602.3, NM_001354919.2); c.550G>A, p.Ala184Thr (NM_001083603.3); c.100G>A, p.Ala34Thr (NM_001083604.3, NM_001083605.3, NM_001083606.3 and 1 more transcripts); c.553G>A, p.Ala185Thr (NM_001354918.2); short protein forms A119T, A185T, A184T, A34T.
Identifiers: ClinVar variation 5027528 (VCV005027528.1).